The following is an entry in ClinVar:

ClinVar aggregate classification (germline): Conflicting classifications of pathogenicity. Review status: criteria provided, conflicting classifications (1 of 4 stars). 4 submissions from 4 submitters: Uncertain significance (3); Likely benign (1). Last evaluated 2025-08-07.

Conditions:
TMEM107-related disorder. Also called: TMEM107-related condition.

Allele frequency attached by ClinVar (database versions not stated): 1000 Genomes Project 30x 0.00016; 1000 Genomes Project 0.00020; ESP Exome Variant Server 0.00052.
gnomAD v4.1: 253 of 765,340 alleles (0.033%); highest among the groups gnomAD compares: Admixed American, 0.047%; no homozygotes.

Submissions (4):

PreventionGenetics, part of Exact Sciences
Classification: Likely benign for TMEM107-related condition. Last evaluated: 2025-08-07. Review status: criteria provided, single submitter. Criteria: ACMG Guidelines, 2015. Collection method: clinical testing. Allele origin: germline.
Comment: This variant is classified as likely benign based on ACMG/AMP sequence variant interpretation guidelines (Richards et al. 2015 PMID: 25741868, with internal and published modifications).

Labcorp Genetics (formerly Invitae), Labcorp
Classification: Uncertain significance. Last evaluated: 2025-03-24. Review status: criteria provided, single submitter. Criteria: Invitae Variant Classification Sherloc (09022015). Collection method: clinical testing. Allele origin: germline.
Comment: This variant occurs in the SNORD118 gene, which encodes an RNA molecule that does not result in a protein product. This variant is present in population databases (rs189731051, gnomAD 0.1%). This variant has not been reported in the literature in individuals affected with SNORD118-related conditions. ClinVar contains an entry for this variant (Variation ID: 1711429). Experimental studies and prediction algorithms are not available or were not evaluated, and the functional significance of this variant is currently unknown. In summary, the available evidence is currently insufficient to determine the role of this variant in disease. Therefore, it has been classified as a Variant of Uncertain Significance.

Blueprint Genetics
Classification: Uncertain significance. Last evaluated: 2024-11-11. Review status: criteria provided, single submitter. Criteria: ACMG Guidelines, 2015. Collection method: clinical testing. Allele origin: germline.

CeGaT Center for Human Genetics Tuebingen
Classification: Uncertain significance. Last evaluated: 2022-08-01. Review status: criteria provided, single submitter. Criteria: CeGaT Center For Human Genetics Tuebingen Variant Classification Criteria Version 2. Collection method: clinical testing. Allele origin: germline. Affected: yes. Observed: 1 variant allele.

NR_033294.2(SNORD118):n.68A>T

Genes: SNORD118 (small nucleolar RNA, C/D box 118; minus strand), TMEM107 (transmembrane protein 107; minus strand). Cytogenetic location: 17p13.1.
Variant type: single nucleotide variant.
Molecular consequence: non-coding transcript variant (on NR_033294.2). On other transcripts: 3 prime UTR variant (5).
Genome position: GRCh38 VCF-style: chr17-8173521-T-A. GRCh37 (hg19) VCF-style: chr17-8076839-T-A.
Other names: c.*682A>T (NM_001351278.2, NM_001351279.2, NM_001351280.2 and 3 more transcripts).
Identifiers: ClinVar variation 1711429 (VCV001711429.35), dbSNP rs189731051, ClinGen allele CA8370691.
Genomic context (GRCh38, chr17:8,173,521, plus strand): 5'-AGGAGCAATCAGGGTGTTGCAAGTCCTGATTACGCAGAGACGTTAATCACGTTTCATGCA[T>A]CTCCAATCATCATGTTCTAATCTGCCCTCCGGAGGAGGAACAGGTAAGGATTATCCCACC-3'